The following is an entry in ClinVar:

NM_000429.3(MAT1A):c.*529G>A

Genes: MAT1A (methionine adenosyltransferase 1A; minus strand), LOC126860980 (CDK7 strongly-dependent group 2 enhancer GRCh37_chr10:82032694-82033893; plus strand). Cytogenetic location: 10q22.3.
Variant type: single nucleotide variant.
Coding change: c.*529G>A on transcript NM_000429.3 (MANE Select); 529 bases downstream of the stop codon, G replaced by A.
Molecular consequence: 3 prime UTR variant.
Genome position (GRCh38, 1-based): chr10:80,273,252, C>T on the plus strand (G>A on the coding strand, the complement: MAT1A is on the minus strand). VCF-style: chr10-80273252-C-T. GRCh37 (hg19) VCF-style: chr10-82033008-C-T.
Identifiers: ClinVar variation 301176 (VCV000301176.5), dbSNP rs10509413, ClinGen allele CA10632490.

ClinVar aggregate classification (germline): Benign (1 of 4 stars; one submission).

Conditions:
Hepatic methionine adenosyltransferase deficiency. Also called: MAT I/III DEFICIENCY; Deficiency of methionine adenosyltransferase; Isolated Persistent Hypermethioninemia; Methionine adenosyltransferase deficiency. Identifiers: Orphanet 168598, MedGen C0268621, MeSH C564683, MONDO:0009607, OMIM 250850.

Allele frequency attached by ClinVar (database versions not stated): 1000 Genomes Project 0.04173; 1000 Genomes Project 30x 0.04575; gnomAD exomes 0.00317; gnomAD 0.03535; TOPMed 0.03972.

Submission:

Illumina Laboratory Services, Illumina
Classification: Benign for Hepatic methionine adenosyltransferase deficiency. Last evaluated: 2018-01-12. Review status: criteria provided, single submitter. Criteria: ICSL Variant Classification Criteria 13 December 2019. Collection method: clinical testing. Allele origin: germline.
Comment: This variant was observed in the ICSL laboratory as part of a predisposition screen in an ostensibly healthy population. It had not been previously curated by ICSL or reported in the Human Gene Mutation Database (HGMD: prior to June 1st, 2018), and was therefore a candidate for classification through an automated scoring system. Utilizing variant allele frequency, disease prevalence and penetrance estimates, and inheritance mode, an automated score was calculated to assess if this variant is too frequent to cause the disease. Based on the score and internal cut-off values, a variant classified as benign is not then subjected to further curation. The score for this variant resulted in a classification of benign for this disease.